The following is an entry in ClinVar:

NM_000400.4(ERCC2):c.2241G>C (p.Glu747Asp)

Gene: ERCC2 (ERCC excision repair 2, TFIIH core complex helicase subunit; minus strand). Cytogenetic location: 19q13.32.
Variant type: single nucleotide variant.
Coding change: c.2241G>C on transcript NM_000400.4 (MANE Select); coding-DNA position 2241, G replaced by C.
Protein change: p.Glu747Asp; replaces glutamic acid 747 with aspartic acid.
Molecular consequence: missense variant.
Genome position (GRCh38, 1-based): chr19:45,351,671, C>G on the plus strand (G>C on the coding strand, the complement: ERCC2 is on the minus strand). VCF-style: chr19-45351671-C-G. GRCh37 (hg19) VCF-style: chr19-45854929-C-G.
Other names: short protein forms E747D.
Identifiers: ClinVar variation 1444716 (VCV001444716.9), dbSNP rs774480587, ClinGen allele CA9512807.
Genomic context (GRCh38, chr19:45,351,671, plus strand): 5'-TGGCCCCACCCGCCCCACTCAGAGCTGCTGAGCAATCTGCTCTATCCTCTTCAGCGTCTC[C>G]TCTGATTCTAGCTGCTCCAGGCTGAGCAGGGACAGGCCCAGCTGATCCTCCTGCAGAGAA-3'
Protein context (NP_000391.1, residues 737-757): SLLSLEQLES[Glu747Asp]ETLKRIEQIA

ClinVar aggregate classification (germline): Uncertain significance. Review status: criteria provided, multiple submitters, no conflicts (2 of 4 stars). 3 submissions from 3 submitters: Uncertain significance (3). Last evaluated 2025-12-11.

Conditions:
Xeroderma pigmentosum (XP). Identifiers: Orphanet 910, MedGen C0043346, MONDO:0019600.
Inborn genetic diseases. Identifiers: MedGen C0950123, MeSH D030342.

Allele frequency attached by ClinVar (database versions not stated): ExAC 0.00001; gnomAD 0.00001; TOPMed 0.00004.
gnomAD v4.1: 30 of 1,613,940 alleles (0.0019%); highest among the groups gnomAD compares: African/African-American, 0.0027%; no homozygotes.

Submissions (3):

Labcorp Genetics (formerly Invitae), Labcorp
Classification: Uncertain significance. Last evaluated: 2025-12-11. Review status: criteria provided, single submitter. Criteria: Invitae Variant Classification Sherloc (09022015). Collection method: clinical testing. Allele origin: germline.
Comment: This sequence change replaces glutamic acid, which is acidic and polar, with aspartic acid, which is acidic and polar, at codon 747 of the ERCC2 protein (p.Glu747Asp). This variant is present in population databases (rs774480587, gnomAD 0.008%). This variant has not been reported in the literature in individuals affected with ERCC2-related conditions. ClinVar contains an entry for this variant (Variation ID: 1444716). Invitae Evidence Modeling of protein sequence and biophysical properties (such as structural, functional, and spatial information, amino acid conservation, physicochemical variation, residue mobility, and thermodynamic stability) has been performed for this missense variant. However, the output from this modeling did not meet the statistical confidence thresholds required to predict the impact of this variant on ERCC2 protein function. In summary, the available evidence is currently insufficient to determine the role of this variant in disease. Therefore, it has been classified as a Variant of Uncertain Significance.

Ambry Genetics
Classification: Uncertain significance for Inborn genetic diseases. Last evaluated: 2023-08-26. Review status: criteria provided, single submitter. Criteria: Ambry Variant Classification Scheme 2023. Collection method: clinical testing. Allele origin: germline.
Comment: The p.E747D variant (also known as c.2241G>C), located in coding exon 23 of the ERCC2 gene, results from a G to C substitution at nucleotide position 2241. The glutamic acid at codon 747 is replaced by aspartic acid, an amino acid with highly similar properties. This amino acid position is conserved. In addition, the in silico prediction for this alteration is inconclusive. Since supporting evidence is limited at this time, the clinical significance of this alteration remains unclear.

Sema4
Classification: Uncertain significance for Xeroderma pigmentosum. Last evaluated: 2021-11-17. Review status: criteria provided, single submitter. Criteria: Sema4 Curation Guidelines. Collection method: curation. Allele origin: germline.
Comment: The ERCC2 c.2241G>C (p.E747D) variant has not been reported in the literature to our knowledge. It was observed in 2/24822 chromosomes of the African/ African-American subpopulation in the large and broad cohorts of the Genome Aggregation Database (PMID: 32461654). Functional studies have not been performed, and in silico predictions of the variant's effect on protein function are inconclusive. The evidence is insufficient to meet ACMG/AMP criteria for classifying the variant as benign or pathogenic. Thus, the clinical significance of this variant is currently uncertain.